The following is an entry in ClinVar:

ClinVar aggregate classification (germline): Uncertain significance (1 of 4 stars; one submission).

Conditions:
PCNT-related disorder. Also called: PCNT-related condition.

Submission:

PreventionGenetics, part of Exact Sciences
Classification: Uncertain significance for PCNT-related condition. Last evaluated: 2026-04-15. Review status: criteria provided, single submitter. Criteria: ACMG Guidelines, 2015. Collection method: clinical testing. Allele origin: germline.
Comment: The PCNT c.257T>G variant is predicted to result in the amino acid substitution p.Phe86Cys. To our knowledge, this variant has not been reported in the literature or in a large population database (gnomAD), indicating this variant is rare. At this time, the clinical significance of this variant is uncertain due to the absence of conclusive functional and genetic evidence.

NM_006031.6(PCNT):c.257T>G (p.Phe86Cys)

Gene: PCNT (pericentrin; plus strand). Cytogenetic location: 21q22.3.
Variant type: single nucleotide variant.
Coding change: c.257T>G on transcript NM_006031.6 (MANE Select); coding-DNA position 257, T replaced by G.
Protein change: p.Phe86Cys; replaces phenylalanine 86 with cysteine.
Molecular consequence: missense variant. On other transcripts: 5 prime UTR variant (1).
Genome position (GRCh38, 1-based): chr21:46,326,579, T>G. VCF-style: chr21-46326579-T-G. GRCh37 (hg19) VCF-style: chr21-47746493-T-G.
Other names: c.-98T>G (NM_001315529.2); short protein forms F86C.
Identifiers: ClinVar variation 4994673 (VCV004994673.1).
Genomic context (GRCh38, chr21:46,326,579, plus strand): 5'-GAGGGGACATTTGCAAAAGCACATCATGTGACGACACCCCTGATGGGGCAGGAGGGGCCT[T>G]TGCAGCTCAGGTAGATTTGCTCAATGTTGTATTTGAACATTTCGCTTATCTTCTAGTGAT-3'
Protein context (NP_006022.3, residues 76-96): DDTPDGAGGA[Phe86Cys]AAQPEDCDGE